The following is an entry in ClinVar:

ClinVar aggregate classification (germline): Uncertain significance (1 of 4 stars; one submission).

Submissions (2):

AiLife Diagnostics
Classification: Uncertain significance. Last evaluated: 2022-01-07. Review status: criteria provided, single submitter. Criteria: ACMG Guidelines, 2015. Collection method: clinical testing. Allele origin: germline. Affected: yes. Observed: 1 variant allele.

Roden Lab, Vanderbilt University Medical Center
No classification provided (evidence only). Condition: Long QT syndrome 5. Review status: no classification provided. Collection method: in vitro. Allele origin: not applicable. Functional consequence: Effect on ion channel function. Not counted in ClinVar's aggregate classification.
ClinVar note: "not provided" was previously submitted as the classification for the variant. However, the classification appeared to be based only on an observation of functional data so it was converted to no classification on 2025-07-30.

NM_000219.6(KCNE1):c.181A>T (p.Ile61Phe)

Gene: KCNE1 (potassium voltage-gated channel subfamily E regulatory subunit 1; minus strand). Cytogenetic location: 21q22.12.
Variant type: single nucleotide variant.
Coding change: c.181A>T on transcript NM_000219.6 (MANE Select); coding-DNA position 181, A replaced by T.
Protein change: p.Ile61Phe; replaces isoleucine 61 with phenylalanine.
Molecular consequence: missense variant.
Genome position (GRCh38, 1-based): chr21:34,449,454, T>A on the plus strand (A>T on the coding strand, the complement: KCNE1 is on the minus strand). VCF-style: chr21-34449454-T-A. GRCh37 (hg19) VCF-style: chr21-35821752-T-A.
Other names: c.181A>T, p.Ile61Phe (NM_001127668.4, NM_001127669.4, NM_001127670.4 and 4 more transcripts); short protein forms I61F.
Identifiers: ClinVar variation 1677791 (VCV001677791.3), dbSNP rs143661740, ClinGen allele CA410198326.